The following is an entry in ClinVar:

ClinVar aggregate classification (germline): Uncertain significance (1 of 4 stars; one submission).

Conditions:
Combined oxidative phosphorylation defect type 27. Also called: Combined oxidative phosphorylation deficiency 27. Identifiers: Orphanet 477774, MedGen C5567608, MONDO:0014728, OMIM 616672.

Submission:

Labcorp Genetics (formerly Invitae), Labcorp
Classification: Uncertain significance for Combined oxidative phosphorylation defect type 27. Last evaluated: 2022-02-04. Review status: criteria provided, single submitter. Criteria: Invitae Variant Classification Sherloc (09022015). Collection method: clinical testing. Allele origin: germline.
Comment: This variant is not present in population databases (gnomAD no frequency). This sequence change replaces tyrosine, which is neutral and polar, with asparagine, which is neutral and polar, at codon 325 of the CARS2 protein (p.Tyr325Asn). This variant has not been reported in the literature in individuals affected with CARS2-related conditions. ClinVar contains an entry for this variant (Variation ID: 851081). Algorithms developed to predict the effect of missense changes on protein structure and function are either unavailable or do not agree on the potential impact of this missense change (SIFT: "Deleterious"; PolyPhen-2: "Probably Damaging"; Align-GVGD: "Class C0"). In summary, the available evidence is currently insufficient to determine the role of this variant in disease. Therefore, it has been classified as a Variant of Uncertain Significance.

NM_024537.4(CARS2):c.973T>A (p.Tyr325Asn)

Gene: CARS2 (cysteinyl-tRNA synthetase 2, mitochondrial; minus strand). Cytogenetic location: 13q34.
Variant type: single nucleotide variant.
Coding change: c.973T>A on transcript NM_024537.4 (MANE Select); coding-DNA position 973, T replaced by A.
Protein change: p.Tyr325Asn; replaces tyrosine 325 with asparagine.
Molecular consequence: missense variant. On other transcripts: 3 prime UTR variant (1), non-coding transcript variant (2).
Genome position (GRCh38, 1-based): chr13:110,663,465, A>T on the plus strand (T>A on the coding strand, the complement: CARS2 is on the minus strand). VCF-style: chr13-110663465-A-T. GRCh37 (hg19) VCF-style: chr13-111315812-A-T.
Other names: c.187T>A, p.Tyr63Asn (NM_001352252.2); c.*445T>A (NM_001352253.3); short protein forms Y325N, Y63N.
Identifiers: ClinVar variation 851081 (VCV000851081.9), dbSNP rs1464734976, ClinGen allele CA388748126.
Genomic context (GRCh38, chr13:110,663,465, plus strand): 5'-CACAAGCTATCGGCACCTCAGAGATACAATACAAAAAGCACGTTACCTTAATAGTAATGT[A>T]GTTCTTTAATGATTTGGACATTTTTTCTTCTTTGCCTTTGGCGTGCAAATGCCCTGAAAC-3'
Protein context (NP_078813.1, residues 315-335): EEKMSKSLKN[Tyr325Asn]ITIKDFLKTF